The following is an entry in ClinVar:

ClinVar aggregate classification (germline): Likely benign (0 of 4 stars; one submission).

Conditions:
PLXNA1-related disorder. Also called: PLXNA1-related condition.

gnomAD v4.1: 29 of 1,612,616 alleles (0.0018%); highest among the groups gnomAD compares: South Asian, 0.0055%; no homozygotes.

Submission:

PreventionGenetics, part of Exact Sciences
Classification: Likely benign for PLXNA1-related condition. Last evaluated: 2023-09-29. Review status: no assertion criteria provided. Collection method: clinical testing. Allele origin: germline.
Comment: This variant is classified as likely benign based on ACMG/AMP sequence variant interpretation guidelines (Richards et al. 2015 PMID: 25741868, with internal and published modifications).

NM_032242.4(PLXNA1):c.1212C>T (p.Asp404=)

Gene: PLXNA1 (plexin A1; plus strand). Cytogenetic location: 3q21.3.
Variant type: single nucleotide variant.
Coding change: c.1212C>T on transcript NM_032242.4 (MANE Select); coding-DNA position 1212, C replaced by T.
Protein change: p.Asp404=; no amino-acid change (aspartic acid 404 retained).
Molecular consequence: synonymous variant.
Genome position (GRCh38, 1-based): chr3:126,991,401, C>T. VCF-style: chr3-126991401-C-T. GRCh37 (hg19) VCF-style: chr3-126710244-C-T.
Identifiers: ClinVar variation 3352516 (VCV003352516.1).